The following is an entry in ClinVar:

ClinVar aggregate classification (germline): Uncertain significance (1 of 4 stars; one submission).

Submission:

Labcorp Genetics (formerly Invitae), Labcorp
Classification: Uncertain significance. Last evaluated: 2022-08-20. Review status: criteria provided, single submitter. Criteria: Invitae Variant Classification Sherloc (09022015). Collection method: clinical testing. Allele origin: germline.
Comment: This sequence change replaces leucine, which is neutral and non-polar, with phenylalanine, which is neutral and non-polar, at codon 723 of the GUCY2C protein (p.Leu723Phe). This variant is not present in population databases (gnomAD no frequency). This variant has not been reported in the literature in individuals affected with GUCY2C-related conditions. Algorithms developed to predict the effect of missense changes on protein structure and function are either unavailable or do not agree on the potential impact of this missense change (SIFT: "Deleterious"; PolyPhen-2: "Probably Damaging"; Align-GVGD: "Class C0"). In summary, the available evidence is currently insufficient to determine the role of this variant in disease. Therefore, it has been classified as a Variant of Uncertain Significance.

NM_004963.4(GUCY2C):c.2167C>T (p.Leu723Phe)

Gene: GUCY2C (guanylate cyclase 2C; minus strand). Cytogenetic location: 12p12.3.
Variant type: single nucleotide variant.
Coding change: c.2167C>T on transcript NM_004963.4 (MANE Select); coding-DNA position 2167, C replaced by T.
Protein change: p.Leu723Phe; replaces leucine 723 with phenylalanine.
Molecular consequence: missense variant.
Genome position (GRCh38, 1-based): chr12:14,628,728, G>A on the plus strand (C>T on the coding strand, the complement: GUCY2C is on the minus strand). VCF-style: chr12-14628728-G-A. GRCh37 (hg19) VCF-style: chr12-14781662-G-A.
Other names: short protein forms L723F.
Identifiers: ClinVar variation 1940137 (VCV001940137.5), dbSNP rs2497643941, ClinGen allele CA383998845.